The following is an entry in ClinVar:

ClinVar aggregate classification (germline): Likely benign (1 of 4 stars; one submission).

Conditions:
Congenital bile acid synthesis defect 2 (CBAS2). Also called: CHOLESTASIS WITH DELTA(4)-3-OXOSTEROID 5-BETA-REDUCTASE DEFICIENCY. Identifiers: Orphanet 79303, MedGen C1856127, MONDO:0009339, OMIM 235555.

Allele frequency attached by ClinVar (database versions not stated): 1000 Genomes Project 30x 0.00297; 1000 Genomes Project 0.00300; TOPMed 0.00614; gnomAD 0.00651 and 0.00698; gnomAD exomes 0.02381.
gnomAD v4.1: 1,012 of 151,970 alleles (0.67%); highest among the groups gnomAD compares: Non-Finnish European, 1.1%; 8 homozygotes.

Submission:

Illumina Laboratory Services, Illumina
Classification: Likely benign for Congenital bile acid synthesis defect 2. Last evaluated: 2018-01-13. Review status: criteria provided, single submitter. Criteria: ICSL Variant Classification Criteria 13 December 2019. Collection method: clinical testing. Allele origin: germline.
Comment: This variant was observed in the ICSL laboratory as part of a predisposition screen in an ostensibly healthy population. It had not been previously curated by ICSL or reported in the Human Gene Mutation Database (HGMD: prior to June 1st, 2018), and was therefore a candidate for classification through an automated scoring system. Utilizing variant allele frequency, disease prevalence and penetrance estimates, and inheritance mode, an automated score was calculated to assess if this variant is too frequent to cause the disease. Based on the score and internal cut-off values, a variant classified as likely benign is not then subjected to further curation. The score for this variant resulted in a classification of likely benign for this disease.

NM_005989.4(AKR1D1):c.*1270T>C

Gene: AKR1D1 (aldo-keto reductase family 1 member D1; plus strand). Cytogenetic location: 7q33.
Variant type: single nucleotide variant.
Coding change: c.*1270T>C on transcript NM_005989.4 (MANE Select); 1270 bases downstream of the stop codon, T replaced by C.
Molecular consequence: 3 prime UTR variant.
Genome position (GRCh38, 1-based): chr7:138,117,932, T>C. VCF-style: chr7-138117932-T-C. GRCh37 (hg19) VCF-style: chr7-137802678-T-C.
Other names: c.*1270T>C (NM_001190906.2); c.*1295T>C (NM_001190907.2).
Identifiers: ClinVar variation 358988 (VCV000358988.5), dbSNP rs184548096, ClinGen allele CA10628333.